The following is an entry in ClinVar:

NM_007078.3(LDB3):c.74T>C (p.Met25Thr)

Gene: LDB3 (LIM domain binding 3; plus strand). Cytogenetic location: 10q23.2.
Variant type: single nucleotide variant.
Coding change: c.74T>C on transcript NM_007078.3 (MANE Select); coding-DNA position 74, T replaced by C.
Protein change: p.Met25Thr; replaces methionine 25 with threonine.
Molecular consequence: missense variant.
Genome position (GRCh38, 1-based): chr10:86,668,765, T>C. VCF-style: chr10-86668765-T-C. GRCh37 (hg19) VCF-style: chr10-88428522-T-C.
Other names: c.74T>C, p.Met25Thr (NM_001080114.2, NM_001080115.2, NM_001080116.1 and 8 more transcripts); short protein forms M25T.
Identifiers: ClinVar variation 2127219 (VCV002127219.5), dbSNP rs1422946564, ClinGen allele CA377448812.

ClinVar aggregate classification (germline): Uncertain significance. Review status: criteria provided, multiple submitters, no conflicts (2 of 4 stars). 2 submissions from 2 submitters: Uncertain significance (2). Last evaluated 2025-04-17.

Conditions:
Myofibrillar myopathy 4. Also called: Zaspopathy (type). Identifiers: Orphanet 98912, MedGen C4721886, MONDO:0012277, OMIM 609452.

Allele frequency attached by ClinVar (database versions not stated): gnomAD exomes 0.00001.
gnomAD v4.1: 10 of 1,613,110 alleles (0.00062%); highest among the groups gnomAD compares: South Asian, 0.0066%; no homozygotes.

Submissions (2):

GeneDx
Classification: Uncertain significance. Last evaluated: 2025-04-17. Review status: criteria provided, single submitter. Criteria: GeneDx Variant Classification Process June 2021. Collection method: clinical testing. Allele origin: germline. Affected: yes.
Comment: Not observed at significant frequency in large population cohorts (gnomAD); In silico analysis supports that this missense variant has a deleterious effect on protein structure/function; Has not been previously published as pathogenic or benign to our knowledge

Labcorp Genetics (formerly Invitae), Labcorp
Classification: Uncertain significance for Myofibrillar myopathy 4. Last evaluated: 2023-06-24. Review status: criteria provided, single submitter. Criteria: Invitae Variant Classification Sherloc (09022015). Collection method: clinical testing. Allele origin: germline.
Comment: This sequence change replaces methionine, which is neutral and non-polar, with threonine, which is neutral and polar, at codon 25 of the LDB3 protein (p.Met25Thr). This variant is present in population databases (no rsID available, gnomAD 0.003%). This variant has not been reported in the literature in individuals affected with LDB3-related conditions. ClinVar contains an entry for this variant (Variation ID: 2127219). An algorithm developed to predict the effect of missense changes on protein structure and function (PolyPhen-2) suggests that this variant is likely to be disruptive. In summary, the available evidence is currently insufficient to determine the role of this variant in disease. Therefore, it has been classified as a Variant of Uncertain Significance.